The following is an entry in ClinVar:

ClinVar aggregate classification (germline): Uncertain significance. Review status: criteria provided, multiple submitters, no conflicts (2 of 4 stars). 2 submissions from 2 submitters: Uncertain significance (2). Last evaluated 2022-02-04.

Conditions:
Cardiovascular phenotype. Identifiers: MedGen CN230736.

Allele frequency attached by ClinVar (database versions not stated): TOPMed 0.00007.
gnomAD v4.1: 41 of 1,210,408 alleles (0.0034%); highest among the groups gnomAD compares: African/African-American, 0.023%; no homozygotes.

Submissions (2):

Ambry Genetics
Classification: Uncertain significance for Cardiovascular phenotype. Last evaluated: 2022-02-04. Review status: criteria provided, single submitter. Criteria: Ambry Variant Classification Scheme 2023. Collection method: clinical testing. Allele origin: germline.
Comment: The c.-4G>A alteration is located in the 5' untranslated region (5'UTR) of the LAMP2 gene. This alteration consists of a G to A substitution nucleotides upstream from the first translated codon. Based on insufficient or conflicting evidence, the clinical significance of this alteration remains unclear.

Laboratory for Molecular Medicine, Mass General Brigham Personalized Medicine
Classification: Uncertain significance. Last evaluated: 2012-01-30. Review status: criteria provided, single submitter. Criteria: LMM Criteria. Collection method: clinical testing. Allele origin: germline. Observed: 1 variant allele.
Comment: The -4G>A variant (LAMP2) has been identified in 1/5539 European American chromo somes by the NHLBI Exome Sequencing Project in a broad population (.). This variant occurs in the 5' untranslated region (UTR) an d variants in this region sometimes alter transcriptional regulation. However, p athogenic variants have not been reported in the 5' UTR of the LAMP2 gene. Addit ional information is needed to determine the clinical significance of the -4G>A variant.

NM_002294.3(LAMP2):c.-4G>A

Gene: LAMP2 (lysosomal associated membrane protein 2; minus strand). Cytogenetic location: Xq24.
Variant type: single nucleotide variant.
Coding change: c.-4G>A on transcript NM_002294.3 (MANE Select); 4 bases upstream of the start codon, G replaced by A.
Molecular consequence: 5 prime UTR variant.
Genome position (GRCh38, 1-based): chrX:120,469,173, C>T on the plus strand (G>A on the coding strand, the complement: LAMP2 is on the minus strand). VCF-style: chrX-120469173-C-T. GRCh37 (hg19) VCF-style: chrX-119603028-C-T.
Other names: c.-4G>A (NM_001122606.1, NM_013995.2).
Identifiers: ClinVar variation 44414 (VCV000044414.5), dbSNP rs200297370, ClinGen allele CA134062.